The following is an entry in ClinVar:

NM_005051.3(QARS1):c.977G>A (p.Gly326Asp)

Gene: QARS1 (glutaminyl-tRNA synthetase 1; minus strand). Cytogenetic location: 3p21.31.
Variant type: single nucleotide variant.
Coding change: c.977G>A on transcript NM_005051.3 (MANE Select); coding-DNA position 977, G replaced by A.
Protein change: p.Gly326Asp; replaces glycine 326 with aspartic acid.
Molecular consequence: missense variant. On other transcripts: non-coding transcript variant (1).
Genome position (GRCh38, 1-based): chr3:49,100,458, C>T on the plus strand (G>A on the coding strand, the complement: QARS1 is on the minus strand). VCF-style: chr3-49100458-C-T. GRCh37 (hg19) VCF-style: chr3-49137891-C-T.
Other names: p.Gly326Asp; c.944G>A, p.Gly315Asp (NM_001272073.2); short protein forms G315D, G326D.
Identifiers: ClinVar variation 1044182 (VCV001044182.4), dbSNP rs746002985, ClinGen allele CA2391921.

ClinVar aggregate classification (germline): Uncertain significance. Review status: criteria provided, multiple submitters, no conflicts (2 of 4 stars). 2 submissions from 2 submitters: Uncertain significance (2). Last evaluated 2024-10-24.

Conditions:
Diffuse cerebral and cerebellar atrophy - intractable seizures - progressive microcephaly syndrome. Also called: Microcephaly, progressive, with seizures and cerebral and cerebellar atrophy. Identifiers: Orphanet 404437, MedGen C4014239, MONDO:0014335, OMIM 615760.

Allele frequency attached by ClinVar (database versions not stated): ExAC 0.00001; gnomAD exomes 0.00001; TOPMed 0.00003.
gnomAD v4.1: 4 of 1,614,170 alleles (0.00025%); highest among the groups gnomAD compares: Admixed American, 0.0067%; no homozygotes.

Submissions (2):

Labcorp Genetics (formerly Invitae), Labcorp
Classification: Uncertain significance for Diffuse cerebral and cerebellar atrophy - intractable seizures - progressive microcephaly syndrome. Last evaluated: 2024-10-24. Review status: criteria provided, single submitter. Criteria: Invitae Variant Classification Sherloc (09022015). Collection method: clinical testing. Allele origin: germline.
Comment: This sequence change replaces glycine, which is neutral and non-polar, with aspartic acid, which is acidic and polar, at codon 326 of the QARS protein (p.Gly326Asp). This variant is present in population databases (rs746002985, gnomAD 0.009%). This variant has not been reported in the literature in individuals affected with QARS-related conditions. ClinVar contains an entry for this variant (Variation ID: 1044182). An algorithm developed to predict the effect of missense changes on protein structure and function (PolyPhen-2) suggests that this variant is likely to be disruptive. In summary, the available evidence is currently insufficient to determine the role of this variant in disease. Therefore, it has been classified as a Variant of Uncertain Significance.

Mayo Clinic Laboratories, Mayo Clinic
Classification: Uncertain significance. Last evaluated: 2024-02-14. Review status: criteria provided, single submitter. Criteria: ACMG Guidelines, 2015. Collection method: clinical testing. Allele origin: germline. Observed: 1 variant allele.
Comment: PM2_moderate